The following is an entry in ClinVar:

ClinVar aggregate classification (germline): Likely pathogenic. Review status: criteria provided, multiple submitters, no conflicts (2 of 4 stars). 2 submissions from 2 submitters: Likely pathogenic (2). Last evaluated 2025-10-29.

Conditions:
Catecholaminergic polymorphic ventricular tachycardia 1. Also called: RYR2-Related Catecholaminergic Polymorphic Ventricular Tachycardia; VENTRICULAR TACHYCARDIA, CATECHOLAMINERGIC POLYMORPHIC, 1, WITH OR WITHOUT ATRIAL DYSFUNCTION AND/OR DILATED CARDIOMYOPATHY; VENTRICULAR TACHYCARDIA, STRESS-INDUCED POLYMORPHIC 1. Identifiers: Orphanet 3286, MedGen C1631597, MONDO:0011484, OMIM 604772.

Submissions (2):

GeneDx
Classification: Likely pathogenic. Last evaluated: 2025-10-29. Review status: criteria provided, single submitter. Criteria: GeneDx Variant Classification Process June 2021. Collection method: clinical testing. Allele origin: germline. Affected: yes.
Comment: Identified in a patient with polymorphic ventricular tachycardia and sudden cardiac arrest in published literature (PMID: 31231889); Located in one of the three hot-spot regions of the RYR2 gene, where the majority of pathogenic missense variants occur (PMID: 19926015); In silico analysis supports that this missense variant has a deleterious effect on protein structure/function; Not observed at significant frequency in large population cohorts (gnomAD); This variant is associated with the following publications: (PMID: 19926015, 31231889)

Labcorp Genetics (formerly Invitae), Labcorp
Classification: Likely pathogenic for Catecholaminergic polymorphic ventricular tachycardia 1. Last evaluated: 2025-09-02. Review status: criteria provided, single submitter. Criteria: Invitae Variant Classification Sherloc (09022015). Collection method: clinical testing. Allele origin: germline.
Comment: This sequence change replaces glutamic acid, which is acidic and polar, with lysine, which is basic and polar, at codon 2314 of the RYR2 protein (p.Glu2314Lys). This variant is not present in population databases (gnomAD no frequency). This missense change has been observed in individual(s) with catecholaminergic polymorphic ventricular tachycardia (external communication). It has also been observed to segregate with disease in related individuals. ClinVar contains an entry for this variant (Variation ID: 201270). Invitae Evidence Modeling of protein sequence and biophysical properties (such as structural, functional, and spatial information, amino acid conservation, physicochemical variation, residue mobility, and thermodynamic stability) indicates that this missense variant is expected to disrupt RYR2 protein function with a positive predictive value of 95%. In summary, the currently available evidence indicates that the variant is pathogenic, but additional data are needed to prove that conclusively. Therefore, this variant has been classified as Likely Pathogenic.

NM_001035.3(RYR2):c.6940G>A (p.Glu2314Lys)

Gene: RYR2 (ryanodine receptor 2; plus strand). Cytogenetic location: 1q43.
Variant type: single nucleotide variant.
Coding change: c.6940G>A on transcript NM_001035.3 (MANE Select); coding-DNA position 6940, G replaced by A.
Protein change: p.Glu2314Lys; replaces glutamic acid 2314 with lysine.
Molecular consequence: missense variant.
Genome position (GRCh38, 1-based): chr1:237,639,026, G>A. VCF-style: chr1-237639026-G-A. GRCh37 (hg19) VCF-style: chr1-237802326-G-A.
Other names: p.E2314K:GAG>AAG; c.6940G>A, p.Glu2314Lys (LRG_402t1); short protein forms E2314K.
Identifiers: ClinVar variation 201270 (VCV000201270.8), dbSNP rs794728748, ClinGen allele CA010419.